The following is an entry in ClinVar:

NM_019594.4(LRRC8A):c.877G>A (p.Val293Met)

Gene: LRRC8A (leucine rich repeat containing 8 VRAC subunit A; plus strand). Cytogenetic location: 9q34.11.
Variant type: single nucleotide variant.
Coding change: c.877G>A on transcript NM_019594.4 (MANE Select); coding-DNA position 877, G replaced by A.
Protein change: p.Val293Met; replaces valine 293 with methionine.
Molecular consequence: missense variant.
Genome position (GRCh38, 1-based): chr9:128,908,041, G>A. VCF-style: chr9-128908041-G-A. GRCh37 (hg19) VCF-style: chr9-131670320-G-A.
Other names: c.877G>A, p.Val293Met (NM_001127244.2, NM_001127245.2); short protein forms V293M.
Identifiers: ClinVar variation 1365881 (VCV001365881.8), dbSNP rs754146653, ClinGen allele CA5270791.
Genomic context (GRCh38, chr9:128,908,041, plus strand): 5'-ATCAAGTTCATCCTCATCATCTGCTACACCGTCTACTACGTGCACAACATCAAGTTCGAC[G>A]TGGACTGCACCGTGGACATTGAGAGCCTGACGGGCTACCGCACCTACCGCTGTGCCCACC-3'
Protein context (NP_062540.2, residues 283-303): VYYVHNIKFD[Val293Met]DCTVDIESLT

ClinVar aggregate classification (germline): Uncertain significance (1 of 4 stars; one submission).

Allele frequency attached by ClinVar (database versions not stated): TOPMed below 0.00001; gnomAD exomes 0.00001 and 0.00002; ExAC 0.00002.

Submission:

Labcorp Genetics (formerly Invitae), Labcorp
Classification: Uncertain significance. Last evaluated: 2025-10-11. Review status: criteria provided, single submitter. Criteria: Invitae Variant Classification Sherloc (09022015). Collection method: clinical testing. Allele origin: germline.
Comment: This sequence change replaces valine, which is neutral and non-polar, with methionine, which is neutral and non-polar, at codon 293 of the LRRC8A protein (p.Val293Met). This variant is present in population databases (rs754146653, gnomAD 0.003%). This variant has not been reported in the literature in individuals affected with LRRC8A-related conditions. ClinVar contains an entry for this variant (Variation ID: 1365881). An algorithm developed to predict the effect of missense changes on protein structure and function (PolyPhen-2) suggests that this variant is likely to be tolerated. In summary, the available evidence is currently insufficient to determine the role of this variant in disease. Therefore, it has been classified as a Variant of Uncertain Significance.